The following is an entry in ClinVar:

NM_001692.4(ATP6V1B1):c.703G>C (p.Ala235Pro)

Gene: ATP6V1B1 (ATPase H+ transporting V1 subunit B1; plus strand). Cytogenetic location: 2p13.3.
Variant type: single nucleotide variant.
Coding change: c.703G>C on transcript NM_001692.4 (MANE Select); coding-DNA position 703, G replaced by C.
Protein change: p.Ala235Pro; replaces alanine 235 with proline.
Molecular consequence: missense variant.
Genome position (GRCh38, 1-based): chr2:70,961,611, G>C. VCF-style: chr2-70961611-G-C. GRCh37 (hg19) VCF-style: chr2-71188741-G-C.
Other names: short protein forms A235P.
Identifiers: ClinVar variation 4086616 (VCV004086616.1).

ClinVar aggregate classification (germline): Uncertain significance (1 of 4 stars; one submission).

Submission:

GeneDx
Classification: Uncertain significance. Last evaluated: 2025-03-20. Review status: criteria provided, single submitter. Criteria: GeneDx Variant Classification Process June 2021. Collection method: clinical testing. Allele origin: germline. Affected: yes.
Comment: Has not been previously published as pathogenic or benign to our knowledge; Not observed at significant frequency in large population cohorts (gnomAD); In silico analysis supports that this missense variant has a deleterious effect on protein structure/function